The following is an entry in ClinVar:

NC_000003.11:g.(?_176782688)_(176782765_?)dup

Gene: TBL1XR1 (TBL1X/Y related 1; minus strand). Cytogenetic location: 3q26.32.
Variant type: Duplication.
Identifiers: ClinVar variation 3246897 (VCV003246897.1).

ClinVar aggregate classification (germline): Uncertain significance (1 of 4 stars; one submission).

Conditions:
Pierpont syndrome (PRPTS). Identifiers: Orphanet 487825, MedGen C1865644, MONDO:0011213, OMIM 602342.

Submission:

Labcorp Genetics (formerly Invitae), Labcorp
Classification: Uncertain significance for Pierpont syndrome. Last evaluated: 2023-09-18. Review status: criteria provided, single submitter. Criteria: Invitae Variant Classification Sherloc (09022015). Collection method: clinical testing. Allele origin: unknown.
Comment: In summary, the available evidence is currently insufficient to determine the role of this variant in disease. Therefore, it has been classified as a Variant of Uncertain Significance. Experimental studies and prediction algorithms are not available or were not evaluated, and the functional significance of this variant is currently unknown. This variant has not been reported in the literature in individuals affected with TBL1XR1-related conditions. This variant results in a copy number gain of the genomic region encompassing exon(s) 3 of the TBL1XR1 gene. This region includes the initiator codon of the gene. This copy number gain extends beyond the assayed region for this gene and therefore may encompass additional genes. As the precise location of this event is unknown, it may be in tandem or it may be located elsewhere in the genome.